The following is an entry in ClinVar:

ClinVar aggregate classification (germline): Likely benign (1 of 4 stars; one submission).

Allele frequency attached by ClinVar (database versions not stated): TOPMed below 0.00001.

Submission:

CeGaT Center for Human Genetics Tuebingen
Classification: Likely benign. Last evaluated: 2023-08-01. Review status: criteria provided, single submitter. Criteria: CeGaT Center For Human Genetics Tuebingen Variant Classification Criteria Version 2. Collection method: clinical testing. Allele origin: germline. Affected: yes. Observed: 1 variant allele.
Comment: UGDH: PM2:Supporting, BP4, BP7

NM_003359.4(UGDH):c.1083T>C (p.Gly361=)

Gene: UGDH (UDP-glucose 6-dehydrogenase; minus strand). Cytogenetic location: 4p14.
Variant type: single nucleotide variant.
Coding change: c.1083T>C on transcript NM_003359.4 (MANE Select); coding-DNA position 1083, T replaced by C.
Protein change: p.Gly361=; no amino-acid change (glycine 361 retained).
Molecular consequence: synonymous variant.
Genome position (GRCh38, 1-based): chr4:39,505,325, A>G on the plus strand (T>C on the coding strand, the complement: UGDH is on the minus strand). VCF-style: chr4-39505325-A-G. GRCh37 (hg19) VCF-style: chr4-39506945-A-G.
Other names: c.882T>C, p.Gly294= (NM_001184700.2); c.792T>C, p.Gly264= (NM_001184701.2).
Identifiers: ClinVar variation 2654730 (VCV002654730.24), dbSNP rs1745983376, ClinGen allele CA438954679.